The following is an entry in ClinVar:

NM_198253.3(TERT):c.749C>T (p.Pro250Leu)

Gene: TERT (telomerase reverse transcriptase; minus strand). Cytogenetic location: 5p15.33.
Variant type: single nucleotide variant.
Coding change: c.749C>T on transcript NM_198253.3 (MANE Select); coding-DNA position 749, C replaced by T.
Protein change: p.Pro250Leu; replaces proline 250 with leucine.
Molecular consequence: missense variant. On other transcripts: non-coding transcript variant (2).
Genome position (GRCh38, 1-based): chr5:1,294,137, G>A on the plus strand (C>T on the coding strand, the complement: TERT is on the minus strand). VCF-style: chr5-1294137-G-A. GRCh37 (hg19) VCF-style: chr5-1294252-G-A.
Other names: c.749C>T, p.Pro250Leu (NM_001193376.3); short protein forms P250L.
Identifiers: ClinVar variation 3369820 (VCV003369820.2).

ClinVar aggregate classification (germline): Uncertain significance. Review status: criteria provided, multiple submitters, no conflicts (2 of 4 stars). 2 submissions from 2 submitters: Uncertain significance (2). Last evaluated 2026-01-14.

Conditions:
Dyskeratosis congenita. Identifiers: Orphanet 1775, MedGen C0265965, MONDO:0015780.

Submissions (2):

Ambry Genetics
Classification: Uncertain significance for Dyskeratosis congenita. Last evaluated: 2026-01-14. Review status: criteria provided, single submitter. Criteria: Ambry Variant Classification Scheme 2023. Collection method: clinical testing. Allele origin: germline.
Comment: The p.P250L variant (also known as c.749C>T), located in coding exon 2 of the TERT gene, results from a C to T substitution at nucleotide position 749. The proline at codon 250 is replaced by leucine, an amino acid with similar properties. This amino acid position is conserved. In addition, this alteration is predicted to be tolerated by in silico analysis. Based on the available evidence, the clinical significance of this variant remains unclear.

GeneDx
Classification: Uncertain significance. Last evaluated: 2024-02-26. Review status: criteria provided, single submitter. Criteria: GeneDx Variant Classification Process June 2021. Collection method: clinical testing. Allele origin: germline. Affected: yes.
Comment: Not observed at significant frequency in large population cohorts (gnomAD); In silico analysis supports that this missense variant does not alter protein structure/function; Has not been previously published as pathogenic or benign to our knowledge